The following is an entry in ClinVar:

ClinVar aggregate classification (germline): Uncertain significance (1 of 4 stars; one submission).

Submission:

Labcorp Genetics (formerly Invitae), Labcorp
Classification: Uncertain significance. Last evaluated: 2021-08-12. Review status: criteria provided, single submitter. Criteria: Invitae Variant Classification Sherloc (09022015). Collection method: clinical testing. Allele origin: germline.
Comment: A gross deletion of the genomic region encompassing the full coding sequence of the XRCC2 gene has been identified. The current clinical and genetic evidence is not sufficient to establish whether loss-of-function variants in XRCC2 cause disease. The boundaries of this event are unknown as they extend beyond the assayed region for this gene and therefore may encompass additional genes. This variant has not been reported in the literature in individuals affected with XRCC2-related conditions. Experimental studies and prediction algorithms are not available or were not evaluated, and the functional significance of this variant is currently unknown. In summary, the available evidence is currently insufficient to determine the role of this variant in disease. Therefore, it has been classified as a Variant of Uncertain Significance.

NC_000007.13:g.(?_152345727)_(152373165_?)del

Gene: XRCC2 (X-ray repair cross complementing 2; minus strand). Cytogenetic location: 7q36.1.
Variant type: Deletion.
Identifiers: ClinVar variation 1011183 (VCV001011183.6).